The following is an entry in ClinVar:

NM_020774.4(MIB1):c.2666-11_2666-10delinsAG

Gene: MIB1 (MIB E3 ubiquitin protein ligase 1; plus strand). Cytogenetic location: 18q11.2.
Variant type: Indel.
Coding change: c.2666-11_2666-10delinsAG on transcript NM_020774.4 (MANE Select); 11 bases into the intron before coding-DNA position 2666 through 10 bases into the intron before coding-DNA position 2666, CC replaced by AG.
Molecular consequence: intron variant.
Genome position (GRCh38, 1-based): chr18:21,857,119-21,857,120, CC replaced by AG. VCF-style: chr18-21857119-CC-AG. GRCh37 (hg19) VCF-style: chr18-19437080-CC-AG.
Identifiers: ClinVar variation 1723065 (VCV001723065.2), dbSNP rs2510604199, ClinGen allele CA2580095461.
Genomic context (GRCh38, chr18:21,857,119, plus strand): 5'-ATTAGCAGAGAAAGGCAACACTCCTATTAATGTTCTCTCTTGTAAGAAGTGTCTGTGTTA[CC>AG]GTTTTCCAGACTGTGCTAACCTGATGAAAAAGTGTGTGCAGTGTCGAGCAGTAGTTGAAC-3'

ClinVar aggregate classification (germline): Uncertain significance (1 of 4 stars; one submission).

Submission:

GeneDx
Classification: Uncertain significance. Last evaluated: 2022-04-22. Review status: criteria provided, single submitter. Criteria: GeneDx Variant Classification Process June 2021. Collection method: clinical testing. Allele origin: germline. Affected: yes.
Comment: Not observed at significant frequency in large population cohorts (gnomAD); In silico analysis supports a deleterious effect on splicing; Has not been previously published as pathogenic or benign to our knowledge